The following is an entry in ClinVar:

NM_001384140.1(PCDH15):c.2036A>G (p.Glu679Gly)

Gene: PCDH15 (protocadherin related 15; minus strand). Cytogenetic location: 10q21.1.
Variant type: single nucleotide variant.
Coding change: c.2036A>G on transcript NM_001384140.1 (MANE Select); coding-DNA position 2036, A replaced by G.
Protein change: p.Glu679Gly; replaces glutamic acid 679 with glycine.
Molecular consequence: missense variant.
Genome position (GRCh38, 1-based): chr10:54,079,386, T>C on the plus strand (A>G on the coding strand, the complement: PCDH15 is on the minus strand). VCF-style: chr10-54079386-T-C. GRCh37 (hg19) VCF-style: chr10-55839146-T-C.
Other names: c.2051A>G, p.Glu684Gly (NM_001142763.2, NM_001142771.2); c.2036A>G, p.Glu679Gly (NM_001142764.2, NM_001142766.2, NM_001142770.3 and 5 more transcripts); c.1823A>G, p.Glu608Gly (NM_001142765.2); c.1925A>G, p.Glu642Gly (NM_001142767.2); c.1970A>G, p.Glu657Gly (NM_001142768.2, NM_001142773.2, NM_001354404.2); c.2072A>G, p.Glu691Gly (NM_001142769.4); c.2057A>G, p.Glu686Gly (NM_001354411.2); short protein forms E608G, E642G, E657G, E679G, E684G, E686G, E691G.
Identifiers: ClinVar variation 1718522 (VCV001718522.3), dbSNP rs2539901760, ClinGen allele CA376520958.

ClinVar aggregate classification (germline): Uncertain significance (1 of 4 stars; one submission).

Allele frequency attached by ClinVar (database versions not stated): gnomAD exomes below 0.00001.
gnomAD v4.1: 1 of 1,614,082 alleles (0.000062%); highest among the groups gnomAD compares: Non-Finnish European, 0.000085%; no homozygotes.

Submission:

Labcorp Genetics (formerly Invitae), Labcorp
Classification: Uncertain significance. Last evaluated: 2022-07-19. Review status: criteria provided, single submitter. Criteria: Invitae Variant Classification Sherloc (09022015). Collection method: clinical testing. Allele origin: germline.
Comment: This sequence change replaces glutamic acid, which is acidic and polar, with glycine, which is neutral and non-polar, at codon 679 of the PCDH15 protein (p.Glu679Gly). This variant is not present in population databases (gnomAD no frequency). This variant has not been reported in the literature in individuals affected with PCDH15-related conditions. Algorithms developed to predict the effect of missense changes on protein structure and function are either unavailable or do not agree on the potential impact of this missense change (SIFT: "Deleterious"; PolyPhen-2: "Probably Damaging"; Align-GVGD: "Class C0"). In summary, the available evidence is currently insufficient to determine the role of this variant in disease. Therefore, it has been classified as a Variant of Uncertain Significance.